The following is an entry in ClinVar:

NM_001346249.2(RALGAPA1):c.7410T>A (p.Asn2470Lys)

Gene: RALGAPA1 (Ral GTPase activating protein catalytic subunit alpha 1; minus strand). Cytogenetic location: 14q13.2.
Variant type: single nucleotide variant.
Coding change: c.7410T>A on transcript NM_001346249.2 (MANE Select); coding-DNA position 7410, T replaced by A.
Protein change: p.Asn2470Lys; replaces asparagine 2470 with lysine.
Molecular consequence: missense variant.
Genome position (GRCh38, 1-based): chr14:35,570,703, A>T on the plus strand (T>A on the coding strand, the complement: RALGAPA1 is on the minus strand). VCF-style: chr14-35570703-A-T. GRCh37 (hg19) VCF-style: chr14-36039909-A-T.
Other names: c.5931T>A, p.Asn1977Lys (NM_001283043.3); c.6033T>A, p.Asn2011Lys (NM_001283044.3, NM_001346245.2, NM_001346247.2); c.7269T>A, p.Asn2423Lys (NM_001330075.3, NM_001346248.2); c.5892T>A, p.Asn1964Lys (NM_001346243.2, NM_001346246.2, NM_014990.3 and 1 more transcripts); c.5892T>A (NM_194301.2); short protein forms N1964K, N1977K, N2011K, N2423K, N2470K.
Identifiers: ClinVar variation 2444675 (VCV002444675.4), dbSNP rs141420858, ClinGen allele CA7156075.
Genomic context (GRCh38, chr14:35,570,703, plus strand): 5'-TTTCAGAGCACGGCTTGCATTTATAGCTGTTGCTCTAACCATAATGGGTAGAACCTTTCC[A>T]TTCACAATAGCACCATCAAAAAGGGGACCAAAGAAGGGAACCTGATTGAGAAATCAGAAC-3'
Protein context (NP_001333178.1, residues 2460-2480): FGPLFDGAIV[Asn2470Lys]GKVLPIMVRA

ClinVar aggregate classification (germline): Uncertain significance. Review status: criteria provided, multiple submitters, no conflicts (2 of 4 stars). 2 submissions from 2 submitters: Uncertain significance (2). Last evaluated 2025-02-26.

Conditions:
Inborn genetic diseases. Identifiers: MedGen C0950123, MeSH D030342.

Allele frequency attached by ClinVar (database versions not stated): gnomAD exomes 0.00002; ExAC 0.00003; gnomAD 0.00014; TOPMed 0.00018; ESP Exome Variant Server 0.00031.
gnomAD v4.1: 48 of 1,611,452 alleles (0.003%); highest among the groups gnomAD compares: African/African-American, 0.052%; no homozygotes.

Submissions (2):

Ambry Genetics
Classification: Uncertain significance for Inborn genetic diseases. Last evaluated: 2025-02-26. Review status: criteria provided, single submitter. Criteria: Ambry Variant Classification Scheme 2023. Collection method: clinical testing. Allele origin: germline.

GeneDx
Classification: Uncertain significance. Last evaluated: 2022-09-12. Review status: criteria provided, single submitter. Criteria: GeneDx Variant Classification Process June 2021. Collection method: clinical testing. Allele origin: germline. Affected: yes.
Comment: In silico analysis supports that this missense variant has a deleterious effect on protein structure/function; Has not been previously published as pathogenic or benign to our knowledge